The following is an entry in ClinVar:

ClinVar aggregate classification (germline): Uncertain significance (1 of 4 stars; one submission).

Conditions:
Congenital adrenal hypoplasia, X-linked (AHC). Also called: Isolated X-Linked Adrenal Hypoplasia Congenita; X-linked AHC; X-Linked Adrenal Hypoplasia Congenita; ADRENAL HYPOPLASIA, CONGENITAL, WITH HYPOGONADOTROPIC HYPOGONADISM. Identifiers: Orphanet 95702, MedGen C0342482, MONDO:0010264, OMIM 300200. Disease mechanism: loss of function.
46,XY sex reversal 2. Also called: NR0B1-Related 46,XY CGD; NR0B1-related 46,XY complete gonadal dysgenesis; Dosage-sensitive sex reversal; 46,XY SEX REVERSAL, DAX1-RELATED; 46XY sex reversal 2, dosage-sensitive. Identifiers: MedGen C1848296, MONDO:0010226, OMIM 300018.

Submission:

Labcorp Genetics (formerly Invitae), Labcorp
Classification: Uncertain significance for Congenital adrenal hypoplasia, X-linked; 46,XY sex reversal 2. Last evaluated: 2025-06-04. Review status: criteria provided, single submitter. Criteria: Invitae Variant Classification Sherloc (09022015). Collection method: clinical testing. Allele origin: germline.
Comment: This sequence change replaces isoleucine, which is neutral and non-polar, with threonine, which is neutral and polar, at codon 470 of the NR0B1 protein (p.Ile470Thr). This variant is not present in population databases (gnomAD no frequency). This variant has not been reported in the literature in individuals affected with NR0B1-related conditions. Invitae Evidence Modeling of protein sequence and biophysical properties (such as structural, functional, and spatial information, amino acid conservation, physicochemical variation, residue mobility, and thermodynamic stability) has been performed for this missense variant. However, the output from this modeling did not meet the statistical confidence thresholds required to predict the impact of this variant on NR0B1 protein function. In summary, the available evidence is currently insufficient to determine the role of this variant in disease. Therefore, it has been classified as a Variant of Uncertain Significance.

NM_000475.5(NR0B1):c.1409T>C (p.Ile470Thr)

Gene: NR0B1 (nuclear receptor subfamily 0 group B member 1; minus strand). Cytogenetic location: Xp21.2.
Variant type: single nucleotide variant.
Coding change: c.1409T>C on transcript NM_000475.5 (MANE Select); coding-DNA position 1409, T replaced by C.
Protein change: p.Ile470Thr; replaces isoleucine 470 with threonine.
Molecular consequence: missense variant.
Genome position (GRCh38, 1-based): chrX:30,304,583, A>G on the plus strand (T>C on the coding strand, the complement: NR0B1 is on the minus strand). VCF-style: chrX-30304583-A-G. GRCh37 (hg19) VCF-style: chrX-30322700-A-G.
Other names: short protein forms I470T.
Identifiers: ClinVar variation 4789116 (VCV004789116.1).
Genomic context (GRCh38, chrX:30,304,583, plus strand): 5'-CTTTATTCTTCCCTCATGGTGAACTGCACTACTGCACTTGTGTGGCCCACATGACTTTAT[A>G]TCTTTGTACAGAGCATTTCCAGCATCATATCATCCATGCTGACTGTGCCGATGATGGGCC-3'
Protein context (NP_000466.2, residues 460-470): DMMLEMLCTK[Ile470Thr]